The following is an entry in ClinVar:

ClinVar aggregate classification (germline): Uncertain significance (1 of 4 stars; one submission).

Submission:

Labcorp Genetics (formerly Invitae), Labcorp
Classification: Uncertain significance. Last evaluated: 2022-10-05. Review status: criteria provided, single submitter. Criteria: Invitae Variant Classification Sherloc (09022015). Collection method: clinical testing. Allele origin: germline.
Comment: In summary, the available evidence is currently insufficient to determine the role of this variant in disease. Therefore, it has been classified as a Variant of Uncertain Significance. Algorithms developed to predict the effect of sequence changes on RNA splicing suggest that this variant may create or strengthen a splice site. Advanced modeling of protein sequence and biophysical properties (such as structural, functional, and spatial information, amino acid conservation, physicochemical variation, residue mobility, and thermodynamic stability) performed at Invitae indicates that this missense variant is not expected to disrupt C7 protein function. ClinVar contains an entry for this variant (Variation ID: 1367044). This variant has not been reported in the literature in individuals affected with C7-related conditions. This variant is not present in population databases (gnomAD no frequency). This sequence change replaces threonine, which is neutral and polar, with arginine, which is basic and polar, at codon 650 of the C7 protein (p.Thr650Arg).

NM_000587.4(C7):c.1949C>G (p.Thr650Arg)

Gene: C7 (complement C7; plus strand). Cytogenetic location: 5p13.1.
Variant type: single nucleotide variant.
Coding change: c.1949C>G on transcript NM_000587.4 (MANE Select); coding-DNA position 1949, C replaced by G.
Protein change: p.Thr650Arg; replaces threonine 650 with arginine.
Molecular consequence: missense variant.
Genome position (GRCh38, 1-based): chr5:40,972,469, C>G. VCF-style: chr5-40972469-C-G. GRCh37 (hg19) VCF-style: chr5-40972571-C-G.
Other names: short protein forms T650R.
Identifiers: ClinVar variation 1367044 (VCV001367044.6), dbSNP rs1740721214, ClinGen allele CA359593265.